The following is an entry in ClinVar:

ClinVar aggregate classification (germline): Uncertain significance (1 of 4 stars; one submission).

Allele frequency attached by ClinVar (database versions not stated): gnomAD exomes below 0.00001.
gnomAD v4.1: 1 of 1,212,560 alleles (0.000082%); highest among the groups gnomAD compares: Non-Finnish European, 0.00011%; no homozygotes.

Submission:

CeGaT Center for Human Genetics Tuebingen
Classification: Uncertain significance. Last evaluated: 2025-02-01. Review status: criteria provided, single submitter. Criteria: CeGaT Center For Human Genetics Tuebingen Variant Classification Criteria Version 2. Collection method: clinical testing. Allele origin: germline. Affected: yes. Observed: 2 variant alleles.
Comment: ATP2B3: PM2, PP3

NM_001001344.3(ATP2B3):c.2107A>G (p.Met703Val)

Gene: ATP2B3 (ATPase plasma membrane Ca2+ transporting 3; plus strand). Cytogenetic location: Xq28.
Variant type: single nucleotide variant.
Coding change: c.2107A>G on transcript NM_001001344.3 (MANE Select); coding-DNA position 2107, A replaced by G.
Protein change: p.Met703Val; replaces methionine 703 with valine.
Molecular consequence: missense variant.
Genome position (GRCh38, 1-based): chrX:153,556,097, A>G. VCF-style: chrX-153556097-A-G. GRCh37 (hg19) VCF-style: chrX-152821555-A-G.
Other names: c.2107A>G, p.Met703Val (NM_001388360.1, NM_001388361.1, NM_001388362.1 and 1 more transcripts); c.2065A>G, p.Met689Val (NM_001410708.1); short protein forms M689V, M703V.
Identifiers: ClinVar variation 2661698 (VCV002661698.24), dbSNP rs2521659744, ClinGen allele CA415072182.